The following is an entry in ClinVar:

ClinVar aggregate classification (germline): Uncertain significance (1 of 4 stars; one submission).

gnomAD v4.1: 3 of 1,613,986 alleles (0.00019%); highest among the groups gnomAD compares: Non-Finnish European, 0.00025%; no homozygotes.

Submission:

Labcorp Genetics (formerly Invitae), Labcorp
Classification: Uncertain significance. Last evaluated: 2022-03-21. Review status: criteria provided, single submitter. Criteria: Invitae Variant Classification Sherloc (09022015). Collection method: clinical testing. Allele origin: germline.
Comment: This variant has not been reported in the literature in individuals affected with PCARE-related conditions. This variant is not present in population databases (gnomAD no frequency). This sequence change replaces leucine, which is neutral and non-polar, with phenylalanine, which is neutral and non-polar, at codon 1137 of the PCARE protein (p.Leu1137Phe). In summary, the available evidence is currently insufficient to determine the role of this variant in disease. Therefore, it has been classified as a Variant of Uncertain Significance. Algorithms developed to predict the effect of missense changes on protein structure and function output the following: SIFT: "Tolerated"; PolyPhen-2: "Benign"; Align-GVGD: "Class C0". The phenylalanine amino acid residue is found in multiple mammalian species, which suggests that this missense change does not adversely affect protein function.

NM_001029883.3(PCARE):c.3409C>T (p.Leu1137Phe)

Gene: PCARE (photoreceptor cilium actin regulator; minus strand). Cytogenetic location: 2p23.2.
Variant type: single nucleotide variant.
Coding change: c.3409C>T on transcript NM_001029883.3 (MANE Select); coding-DNA position 3409, C replaced by T.
Protein change: p.Leu1137Phe; replaces leucine 1137 with phenylalanine.
Molecular consequence: missense variant.
Genome position (GRCh38, 1-based): chr2:29,070,853, G>A on the plus strand (C>T on the coding strand, the complement: PCARE is on the minus strand). VCF-style: chr2-29070853-G-A. GRCh37 (hg19) VCF-style: chr2-29293719-G-A.
Other names: short protein forms L1137F.
Identifiers: ClinVar variation 2166388 (VCV002166388.4), dbSNP rs375244943, ClinGen allele CA346474999.